The following is an entry in ClinVar:

NM_007294.4(BRCA1):c.2149G>A (p.Glu717Lys)

Gene: BRCA1 (BRCA1 DNA repair associated; minus strand). Cytogenetic location: 17q21.31.
Variant type: single nucleotide variant.
Coding change: c.2149G>A on transcript NM_007294.4 (MANE Select); coding-DNA position 2149, G replaced by A.
Protein change: p.Glu717Lys; replaces glutamic acid 717 with lysine.
Molecular consequence: missense variant. On other transcripts: intron variant (137).
Genome position (GRCh38, 1-based): chr17:43,093,382, C>T on the plus strand (G>A on the coding strand, the complement: BRCA1 is on the minus strand). VCF-style: chr17-43093382-C-T. GRCh37 (hg19) VCF-style: chr17-41245399-C-T.
Other names: c.2149G>A, p.Glu717Lys (NM_001407593.1, NM_001407594.1, NM_001407596.1 and 30 more transcripts); c.2146G>A, p.Glu716Lys (NM_001407610.1, NM_001407611.1, NM_001407612.1 and 22 more transcripts); c.2140G>A, p.Glu714Lys (NM_001407646.1, NM_001407647.1); c.2026G>A, p.Glu676Lys (NM_001407648.1, NM_001407664.1, NM_001407665.1 and 19 more transcripts); c.2023G>A, p.Glu675Lys (NM_001407649.1, NM_001407670.1, NM_001407671.1 and 11 more transcripts); c.2071G>A, p.Glu691Lys (NM_001407653.1, NM_001407654.1, NM_001407655.1 and 4 more transcripts); c.2068G>A, p.Glu690Lys (NM_001407659.1, NM_001407660.1, NM_001407661.1 and 1 more transcripts); c.2008G>A, p.Glu670Lys (NM_001407692.1, NM_001407694.1, NM_001407695.1 and 29 more transcripts); and 41 more; short protein forms E549K, E647K, E649K, E717K, E421K, E605K, E650K, E669K.
Identifiers: ClinVar variation 2736594 (VCV002736594.3), dbSNP rs886040004, ClinGen allele CA10597707.
Genomic context (GRCh38, chr17:43,093,382, plus strand): 5'-TTTCTAGTTTCTCTTCTTTTTCTTCTCTTGGAAGGCTAGGATTGACAAATTCTTTAAGTT[C>T]ACTGGTATTTGAACACTTAGTAAAAGAACCAGGTGCATTTGTTAACTTCAGCTCTGGGAA-3'
Protein context (NP_009225.1, residues 707-727): GSFTKCSNTS[Glu717Lys]LKEFVNPSLP

ClinVar aggregate classification (germline): Uncertain significance (1 of 4 stars; one submission).

Conditions:
Hereditary breast ovarian cancer syndrome. Also called: BRCA1- and BRCA2-Associated Hereditary Breast and Ovarian Cancer; Hereditary breast and/or ovarian cancer syndrome; Hereditary breast and ovarian cancer; Hereditary breast and ovarian cancer syndrome (HBOC); Breast and ovarian cancer; Hereditary breast and ovarian cancer syndrome. Identifiers: Orphanet 145, MedGen C0677776, MeSH D061325, MONDO:0003582. Disease mechanism: loss of function.

gnomAD v4.1: 1 of 1,614,020 alleles (0.000062%); highest among the groups gnomAD compares: Non-Finnish European, 0.000085%; no homozygotes.

Submission:

Labcorp Genetics (formerly Invitae), Labcorp
Classification: Uncertain significance for Hereditary breast ovarian cancer syndrome. Last evaluated: 2023-12-04. Review status: criteria provided, single submitter. Criteria: Invitae Variant Classification Sherloc (09022015). Collection method: clinical testing. Allele origin: germline.
Comment: This sequence change replaces glutamic acid, which is acidic and polar, with lysine, which is basic and polar, at codon 717 of the BRCA1 protein (p.Glu717Lys). This variant is not present in population databases (gnomAD no frequency). This missense change has been observed in individual(s) with clinical features of HBOC syndrome (PMID: 27882536). Advanced modeling of protein sequence and biophysical properties (such as structural, functional, and spatial information, amino acid conservation, physicochemical variation, residue mobility, and thermodynamic stability) performed at Invitae indicates that this missense variant is not expected to disrupt BRCA1 protein function with a negative predictive value of 95%. In summary, the available evidence is currently insufficient to determine the role of this variant in disease. Therefore, it has been classified as a Variant of Uncertain Significance.

Literature cited by the submitters: PubMed 27882536.